The following is an entry in ClinVar:

NM_017534.6(MYH2):c.1640C>T (p.Thr547Ile)

Genes: MYH2 (myosin heavy chain 2; minus strand), MYHAS (myosin heavy chain gene cluster antisense RNA; plus strand). Cytogenetic location: 17p13.1.
Variant type: single nucleotide variant.
Coding change: c.1640C>T on transcript NM_017534.6 (MANE Select); coding-DNA position 1640, C replaced by T.
Protein change: p.Thr547Ile; replaces threonine 547 with isoleucine.
Molecular consequence: missense variant.
Genome position (GRCh38, 1-based): chr17:10,537,490, G>A on the plus strand (C>T on the coding strand, the complement: MYH2 is on the minus strand). VCF-style: chr17-10537490-G-A. GRCh37 (hg19) VCF-style: chr17-10440807-G-A.
Other names: c.1640C>T, p.Thr547Ile (NM_001100112.2); short protein forms T547I.
Identifiers: ClinVar variation 2973581 (VCV002973581.3), dbSNP rs2073496109, ClinGen allele CA398156186.

ClinVar aggregate classification (germline): Uncertain significance (1 of 4 stars; one submission).

Conditions:
Myopathy, proximal, and ophthalmoplegia (CMYO6). Also called: INCLUSION BODY MYOPATHY 3, AUTOSOMAL DOMINANT; CONGENITAL MYOPATHY 6 WITH OPHTHALMOPLEGIA; MYOPATHY WITH CONGENITAL JOINT CONTRACTURES, OPHTHALMOPLEGIA, AND RIMMED VACUOLES. Identifiers: Orphanet 363677, Orphanet 79091, MedGen C1854106, MONDO:0011577, OMIM 605637.

Allele frequency attached by ClinVar (database versions not stated): TOPMed below 0.00001.

Submission:

Labcorp Genetics (formerly Invitae), Labcorp
Classification: Uncertain significance for Myopathy, proximal, and ophthalmoplegia. Last evaluated: 2025-03-05. Review status: criteria provided, single submitter. Criteria: Invitae Variant Classification Sherloc (09022015). Collection method: clinical testing. Allele origin: germline.
Comment: This sequence change replaces threonine, which is neutral and polar, with isoleucine, which is neutral and non-polar, at codon 547 of the MYH2 protein (p.Thr547Ile). This variant is not present in population databases (gnomAD no frequency). This variant has not been reported in the literature in individuals affected with MYH2-related conditions. ClinVar contains an entry for this variant (Variation ID: 2973581). Invitae Evidence Modeling of protein sequence and biophysical properties (such as structural, functional, and spatial information, amino acid conservation, physicochemical variation, residue mobility, and thermodynamic stability) indicates that this missense variant is expected to disrupt MYH2 protein function with a positive predictive value of 80%. In summary, the available evidence is currently insufficient to determine the role of this variant in disease. Therefore, it has been classified as a Variant of Uncertain Significance.